The following is an entry in ClinVar:

NM_001319074.4(RAX2):c.431C>T (p.Ala144Val)

Gene: RAX2 (retina and anterior neural fold homeobox 2; minus strand). Cytogenetic location: 19p13.3.
Variant type: single nucleotide variant.
Coding change: c.431C>T on transcript NM_001319074.4 (MANE Select); coding-DNA position 431, C replaced by T.
Protein change: p.Ala144Val; replaces alanine 144 with valine.
Molecular consequence: missense variant.
Genome position (GRCh38, 1-based): chr19:3,770,745, G>A on the plus strand (C>T on the coding strand, the complement: RAX2 is on the minus strand). VCF-style: chr19-3770745-G-A. GRCh37 (hg19) VCF-style: chr19-3770743-G-A.
Other names: c.431C>T, p.Ala144Val (NM_032753.4); c.431C>T (NM_032753.3); short protein forms A144V.
Identifiers: ClinVar variation 1374703 (VCV001374703.9), dbSNP rs989493054, ClinGen allele CA304416655.

ClinVar aggregate classification (germline): Conflicting classifications of pathogenicity. Review status: criteria provided, conflicting classifications (1 of 4 stars). 4 submissions from 4 submitters: Uncertain significance (3); Likely benign (1). Last evaluated 2026-03-27.

Conditions:
RAX2-related disorder. Also called: RAX2-related condition; RAX2-related disorders.

Allele frequency attached by ClinVar (database versions not stated): gnomAD exomes 0.00006; gnomAD 0.00011.

Submissions (4):

PreventionGenetics, part of Exact Sciences
Classification: Uncertain significance for RAX2-related condition. Last evaluated: 2026-03-27. Review status: criteria provided, single submitter. Criteria: ACMG Guidelines, 2015. Collection method: clinical testing. Allele origin: germline.
Comment: The RAX2 c.431C>T variant is predicted to result in the amino acid substitution p.Ala144Val. To our knowledge, this variant has not been reported in the literature. This variant is reported in 0.017% of alleles in individuals of European (Non-Finnish) descent in gnomAD. At this time, the clinical significance of this variant is uncertain due to the absence of conclusive functional and genetic evidence.

Labcorp Genetics (formerly Invitae), Labcorp
Classification: Uncertain significance. Last evaluated: 2025-03-11. Review status: criteria provided, single submitter. Criteria: Invitae Variant Classification Sherloc (09022015). Collection method: clinical testing. Allele origin: germline.
Comment: This sequence change replaces alanine, which is neutral and non-polar, with valine, which is neutral and non-polar, at codon 144 of the RAX2 protein (p.Ala144Val). This variant is present in population databases (no rsID available, gnomAD 0.02%). This variant has not been reported in the literature in individuals affected with RAX2-related conditions. ClinVar contains an entry for this variant (Variation ID: 1374703). An algorithm developed to predict the effect of missense changes on protein structure and function outputs the following: PolyPhen-2: "Benign". The valine amino acid residue is found in multiple mammalian species, which suggests that this missense change does not adversely affect protein function. In summary, the available evidence is currently insufficient to determine the role of this variant in disease. Therefore, it has been classified as a Variant of Uncertain Significance.

Blueprint Genetics
Classification: Likely benign. Last evaluated: 2024-07-05. Review status: criteria provided, single submitter. Criteria: ACMG Guidelines, 2015. Collection method: clinical testing. Allele origin: germline.

Ambry Genetics
Classification: Uncertain significance. Last evaluated: 2022-11-08. Review status: criteria provided, single submitter. Criteria: Ambry Variant Classification Scheme 2023. Collection method: clinical testing. Allele origin: germline.